The following is an entry in ClinVar:

ClinVar aggregate classification (germline): Uncertain significance (1 of 4 stars; one submission).

gnomAD v4.1: 1 of 1,613,942 alleles (0.000062%); highest among the groups gnomAD compares: Non-Finnish European, 0.000085%; no homozygotes.

Submission:

Laboratorio de Genetica e Diagnostico Molecular, Hospital Israelita Albert Einstein
Classification: Uncertain significance. Last evaluated: 2019-12-26. Review status: criteria provided, single submitter. Criteria: ACMG Guidelines, 2015. Collection method: clinical testing. Allele origin: germline. Affected: yes.
Comment: ACMG classification criteria: PM2, PM3, PP3

NM_017882.3(CLN6):c.446G>C (p.Arg149Pro)

Gene: CLN6 (CLN6 transmembrane ER protein; minus strand). Cytogenetic location: 15q23.
Variant type: single nucleotide variant.
Coding change: c.446G>C on transcript NM_017882.3 (MANE Select); coding-DNA position 446, G replaced by C.
Protein change: p.Arg149Pro; replaces arginine 149 with proline.
Molecular consequence: missense variant.
Genome position (GRCh38, 1-based): chr15:68,211,715, C>G on the plus strand (G>C on the coding strand, the complement: CLN6 is on the minus strand). VCF-style: chr15-68211715-C-G. GRCh37 (hg19) VCF-style: chr15-68504053-C-G.
Other names: short protein forms R149P.
Identifiers: ClinVar variation 1690751 (VCV001690751.2), dbSNP rs154774638, ClinGen allele CA392973387.